The following is an entry in ClinVar:

NM_001164586.2(IGFN1):c.6288A>G (p.Glu2096=)

Gene: IGFN1 (immunoglobulin like and fibronectin type III domain containing 1; plus strand). Cytogenetic location: 1q32.1.
Variant type: single nucleotide variant.
Coding change: c.6288A>G on transcript NM_001164586.2 (MANE Select); coding-DNA position 6288, A replaced by G.
Protein change: p.Glu2096=; no amino-acid change (glutamic acid 2096 retained).
Molecular consequence: synonymous variant. On other transcripts: intron variant (1).
Genome position (GRCh38, 1-based): chr1:201,211,181, A>G. VCF-style: chr1-201211181-A-G. GRCh37 (hg19) VCF-style: chr1-201180309-A-G.
Other names: c.1242-2325A>G (NM_001367841.1).
Identifiers: ClinVar variation 2639763 (VCV002639763.24), dbSNP rs544980057, ClinGen allele CA35992648.
Genomic context (GRCh38, chr1:201,211,181, plus strand): 5'-TCCTAAGGGAATGGGTTCAGGGAGTAAGACAGGTTTCAGGGATGGTTTAGGGGGTTCTGA[A>G]GAAATGGAGTCAATGGATGAGGCAGGTTATAGGAAGGATTTGGGGGCTCCTGAGGGAATA-3'
Protein context (NP_001158058.1, residues 2086-2106): TGFRDGLGGS[Glu2096=]EMESMDEAGY

ClinVar aggregate classification (germline): Likely benign (1 of 4 stars; one submission).

Allele frequency attached by ClinVar (database versions not stated): 1000 Genomes Project 0.00479.

Submission:

CeGaT Center for Human Genetics Tuebingen
Classification: Likely benign. Last evaluated: 2025-06-01. Review status: criteria provided, single submitter. Criteria: CeGaT Center For Human Genetics Tuebingen Variant Classification Criteria Version 2. Collection method: clinical testing. Allele origin: germline. Affected: yes. Observed: 2 variant alleles.
Comment: IGFN1: BP4, BP7